The following is an entry in ClinVar:

ClinVar aggregate classification (germline): Uncertain significance (1 of 4 stars; one submission).

Conditions:
Glycogen storage disease, type V (GSD5). Also called: McArdle type glycogen storage disease; MUSCLE GLYCOGEN PHOSPHORYLASE DEFICIENCY; MYOPHOSPHORYLASE DEFICIENCY; PYGM DEFICIENCY; MCARDLE DISEASE. Identifiers: Orphanet 368, MedGen C0017924, MONDO:0009293, OMIM 232600.

Allele frequency attached by ClinVar (database versions not stated): gnomAD exomes below 0.00001; ExAC 0.00001.
gnomAD v4.1: 1 of 1,614,002 alleles (0.000062%); highest among the groups gnomAD compares: Admixed American, 0.0017%; no homozygotes.

Submission:

Labcorp Genetics (formerly Invitae), Labcorp
Classification: Uncertain significance for Glycogen storage disease, type V. Last evaluated: 2022-06-27. Review status: criteria provided, single submitter. Criteria: Invitae Variant Classification Sherloc (09022015). Collection method: clinical testing. Allele origin: germline.
Comment: This sequence change replaces glutamine, which is neutral and polar, with histidine, which is basic and polar, at codon 481 of the PYGM protein (p.Gln481His). This variant is present in population databases (rs767125939, gnomAD 0.003%). This variant has not been reported in the literature in individuals affected with PYGM-related conditions. Algorithms developed to predict the effect of missense changes on protein structure and function are either unavailable or do not agree on the potential impact of this missense change (SIFT: "Not Available"; PolyPhen-2: "Probably Damaging"; Align-GVGD: "Not Available"). In summary, the available evidence is currently insufficient to determine the role of this variant in disease. Therefore, it has been classified as a Variant of Uncertain Significance.

NM_005609.4(PYGM):c.1443G>C (p.Gln481His)

Gene: PYGM (glycogen phosphorylase, muscle associated; minus strand). Cytogenetic location: 11q13.1.
Variant type: single nucleotide variant.
Coding change: c.1443G>C on transcript NM_005609.4 (MANE Select); coding-DNA position 1443, G replaced by C.
Protein change: p.Gln481His; replaces glutamine 481 with histidine.
Molecular consequence: missense variant.
Genome position (GRCh38, 1-based): chr11:64,753,148, C>G on the plus strand (G>C on the coding strand, the complement: PYGM is on the minus strand). VCF-style: chr11-64753148-C-G. GRCh37 (hg19) VCF-style: chr11-64520620-C-G.
Other names: c.1179G>C, p.Gln393His (NM_001164716.1); short protein forms Q481H, Q393H.
Identifiers: ClinVar variation 1479919 (VCV001479919.3), dbSNP rs767125939, ClinGen allele CA6079855.